The following is an entry in ClinVar:

ClinVar aggregate classification (germline): Uncertain significance. Review status: criteria provided, multiple submitters, no conflicts (2 of 4 stars). 2 submissions from 2 submitters: Uncertain significance (2). Last evaluated 2025-12-02.

gnomAD v4.1: 6 of 1,614,060 alleles (0.00037%); highest among the groups gnomAD compares: Admixed American, 0.0017%; no homozygotes.

Submissions (2):

Ambry Genetics
Classification: Uncertain significance. Last evaluated: 2025-12-02. Review status: criteria provided, single submitter. Criteria: Ambry Variant Classification Scheme 2023. Collection method: clinical testing. Allele origin: germline.

Labcorp Genetics (formerly Invitae), Labcorp
Classification: Uncertain significance. Last evaluated: 2024-10-16. Review status: criteria provided, single submitter. Criteria: Invitae Variant Classification Sherloc (09022015). Collection method: clinical testing. Allele origin: germline.
Comment: This sequence change replaces isoleucine, which is neutral and non-polar, with leucine, which is neutral and non-polar, at codon 102 of the MAD2L2 protein (p.Ile102Leu). This variant is present in population databases (no rsID available, gnomAD 0.0009%). This variant has not been reported in the literature in individuals affected with MAD2L2-related conditions. An algorithm developed to predict the effect of missense changes on protein structure and function (PolyPhen-2) suggests that this variant is likely to be tolerated. In summary, the available evidence is currently insufficient to determine the role of this variant in disease. Therefore, it has been classified as a Variant of Uncertain Significance.

NM_006341.4(MAD2L2):c.304A>C (p.Ile102Leu)

Gene: MAD2L2 (mitotic arrest deficient 2 like 2; minus strand). Cytogenetic location: 1p36.22.
Variant type: single nucleotide variant.
Coding change: c.304A>C on transcript NM_006341.4 (MANE Select); coding-DNA position 304, A replaced by C.
Protein change: p.Ile102Leu; replaces isoleucine 102 with leucine.
Molecular consequence: missense variant.
Genome position (GRCh38, 1-based): chr1:11,676,876, T>G on the plus strand (A>C on the coding strand, the complement: MAD2L2 is on the minus strand). VCF-style: chr1-11676876-T-G. GRCh37 (hg19) VCF-style: chr1-11736933-T-G.
Other names: c.304A>C (NM_001127325.1); c.304A>C, p.Ile102Leu (NM_001127325.2); short protein forms I102L.
Identifiers: ClinVar variation 3676181 (VCV003676181.3).
Genomic context (GRCh38, chr1:11,676,876, plus strand): 5'-CAGCTAGTGGGCGAGGGGCAGGGGCAGCCCACCTGATGGACAGCAGTGGAGGCTGGGTGA[T>G]CTCAAAGACGAATTTCTCCACTGGGCGGTGCTCTTTATCCAAAATCACCACCACCACTTT-3'
Protein context (NP_006332.3, residues 92-112): HRPVEKFVFE[Ile102Leu]TQPPLLSISS